The following is an entry in ClinVar:

ClinVar aggregate classification (germline): Uncertain significance. Review status: criteria provided, multiple submitters, no conflicts (2 of 4 stars). 2 submissions from 2 submitters: Uncertain significance (2). Last evaluated 2025-08-29.

Conditions:
Peroxisome biogenesis disorder 2B (PBD2B). Identifiers: Orphanet 44, MedGen C3550234, MONDO:0008736, OMIM 202370.
Inborn genetic diseases. Identifiers: MedGen C0950123, MeSH D030342.

Allele frequency attached by ClinVar (database versions not stated): gnomAD exomes below 0.00001.
gnomAD v4.1: 3 of 1,613,110 alleles (0.00019%); highest among the groups gnomAD compares: South Asian, 0.0011%; no homozygotes.

Submissions (2):

Ambry Genetics
Classification: Uncertain significance for Inborn genetic diseases. Last evaluated: 2025-08-29. Review status: criteria provided, single submitter. Criteria: Ambry Variant Classification Scheme 2023. Collection method: clinical testing. Allele origin: germline.

Labcorp Genetics (formerly Invitae), Labcorp
Classification: Uncertain significance for Peroxisome biogenesis disorder 2B. Last evaluated: 2022-09-27. Review status: criteria provided, single submitter. Criteria: Invitae Variant Classification Sherloc (09022015). Collection method: clinical testing. Allele origin: germline.
Comment: This sequence change replaces proline, which is neutral and non-polar, with leucine, which is neutral and non-polar, at codon 41 of the PEX5 protein (p.Pro41Leu). This variant is present in population databases (rs772786048, gnomAD 0.0009%). This variant has not been reported in the literature in individuals affected with PEX5-related conditions. ClinVar contains an entry for this variant (Variation ID: 1500415). Algorithms developed to predict the effect of missense changes on protein structure and function (SIFT, PolyPhen-2, Align-GVGD) all suggest that this variant is likely to be tolerated. In summary, the available evidence is currently insufficient to determine the role of this variant in disease. Therefore, it has been classified as a Variant of Uncertain Significance.

NM_001351132.2(PEX5):c.122C>T (p.Pro41Leu)

Gene: PEX5 (peroxisomal biogenesis factor 5; plus strand). Cytogenetic location: 12p13.31.
Variant type: single nucleotide variant.
Coding change: c.122C>T on transcript NM_001351132.2 (MANE Select); coding-DNA position 122, C replaced by T.
Protein change: p.Pro41Leu; replaces proline 41 with leucine.
Molecular consequence: missense variant.
Genome position (GRCh38, 1-based): chr12:7,190,499, C>T. VCF-style: chr12-7190499-C-T. GRCh37 (hg19) VCF-style: chr12-7343095-C-T.
Other names: c.122C>T, p.Pro41Leu (NM_001131025.2, NM_001131026.2, NM_001300789.3 and 22 more transcripts); c.122C>T (NM_001131025.1); short protein forms P41L.
Identifiers: ClinVar variation 1500415 (VCV001500415.4), dbSNP rs772786048, ClinGen allele CA6426000.